The following is an entry in ClinVar:

ClinVar aggregate classification (germline): Uncertain significance (1 of 4 stars; one submission).

Conditions:
NCOA1-related disorder. Also called: NCOA1-related condition.

Submission:

PreventionGenetics, part of Exact Sciences
Classification: Uncertain significance for NCOA1-related condition. Last evaluated: 2026-04-14. Review status: criteria provided, single submitter. Criteria: ACMG Guidelines, 2015. Collection method: clinical testing. Allele origin: germline.
Comment: The NCOA1 c.772G>T variant is predicted to result in the amino acid substitution p.Gly258Cys. To our knowledge, this variant has not been reported in the literature or in a large population database (gnomAD), indicating this variant is rare. At this time, the clinical significance of this variant is uncertain due to the absence of conclusive functional and genetic evidence.

NM_003743.5(NCOA1):c.772G>T (p.Gly258Cys)

Gene: NCOA1 (nuclear receptor coactivator 1; plus strand). Cytogenetic location: 2p23.3.
Variant type: single nucleotide variant.
Coding change: c.772G>T on transcript NM_003743.5 (MANE Select); coding-DNA position 772, G replaced by T.
Protein change: p.Gly258Cys; replaces glycine 258 with cysteine.
Molecular consequence: missense variant.
Genome position (GRCh38, 1-based): chr2:24,693,311, G>T. VCF-style: chr2-24693311-G-T. GRCh37 (hg19) VCF-style: chr2-24916180-G-T.
Other names: c.772G>T, p.Gly258Cys (NM_001362950.1, NM_001362952.1, NM_001362954.1 and 3 more transcripts); short protein forms G258C.
Identifiers: ClinVar variation 4995501 (VCV004995501.1).